The following is an entry in ClinVar:

NM_002087.4(GRN):c.752C>G (p.Thr251Ser)

Gene: GRN (granulin precursor; plus strand). Cytogenetic location: 17q21.31.
Variant type: single nucleotide variant.
Coding change: c.752C>G on transcript NM_002087.4 (MANE Select); coding-DNA position 752, C replaced by G.
Protein change: p.Thr251Ser; replaces threonine 251 with serine.
Molecular consequence: missense variant.
Genome position (GRCh38, 1-based): chr17:44,351,080, C>G. VCF-style: chr17-44351080-C-G. GRCh37 (hg19) VCF-style: chr17-42428448-C-G.
Other names: short protein forms T251S.
Identifiers: ClinVar variation 2933013 (VCV002933013.4), dbSNP rs376153436, ClinGen allele CA8602006.
Genomic context (GRCh38, chr17:44,351,080, plus strand): 5'-CCCCTGTCCCCACTCAGGCCACCTGCTGCTCCGATCACCTGCACTGCTGCCCCCAAGACA[C>G]TGTGTGTGACCTGATCCAGAGTAAGTGCCTCTCCAAGGAGAACGCTACCACGGACCTCCT-3'
Protein context (NP_002078.1, residues 241-261): SDHLHCCPQD[Thr251Ser]VCDLIQSKCL

ClinVar aggregate classification (germline): Uncertain significance. Review status: criteria provided, multiple submitters, no conflicts (2 of 4 stars). 2 submissions from 2 submitters: Uncertain significance (2). Last evaluated 2025-01-08.

Conditions:
Neuronal ceroid lipofuscinosis 11. Also called: GRN-Related Neuronal Ceroid-Lipofuscinosis. Identifiers: Orphanet 314629, Orphanet 79262, MedGen C3539123, MONDO:0013866, OMIM 614706.
GRN-related frontotemporal lobar degeneration with Tdp43 inclusions (FTD2). Also called: DEMENTIA, HEREDITARY DYSPHASIC DISINHIBITION; FRONTOTEMPORAL LOBAR DEGENERATION WITH UBIQUITIN-POSITIVE INCLUSIONS; FTLD-TDP, GRN-RELATED; GRN Frontotemporal Dementia; FRONTOTEMPORAL DEMENTIA WITH TDP43 INCLUSIONS, GRN-RELATED. Identifiers: Orphanet 100070, Orphanet 282, MedGen C1843792, MONDO:0011842, OMIM 607485. Disease mechanism: loss of function.

Allele frequency attached by ClinVar (database versions not stated): gnomAD 0.00001; ExAC 0.00002; TOPMed 0.00003; gnomAD exomes 0.00004; ESP Exome Variant Server 0.00008.
gnomAD v4.1: 53 of 1,613,916 alleles (0.0033%); highest among the groups gnomAD compares: Non-Finnish European, 0.0041%; no homozygotes.

Submissions (2):

Labcorp Genetics (formerly Invitae), Labcorp
Classification: Uncertain significance for Neuronal ceroid lipofuscinosis 11; GRN-related frontotemporal lobar degeneration with Tdp43 inclusions. Last evaluated: 2025-01-08. Review status: criteria provided, single submitter. Criteria: Invitae Variant Classification Sherloc (09022015). Collection method: clinical testing. Allele origin: germline.
Comment: This sequence change replaces threonine, which is neutral and polar, with serine, which is neutral and polar, at codon 251 of the GRN protein (p.Thr251Ser). This variant is present in population databases (rs376153436, gnomAD 0.002%). This missense change has been observed in individual(s) with Alzheimer's disease and/or frontotemporal dementia (PMID: 20142524, 30279455). ClinVar contains an entry for this variant (Variation ID: 2933013). Invitae Evidence Modeling of protein sequence and biophysical properties (such as structural, functional, and spatial information, amino acid conservation, physicochemical variation, residue mobility, and thermodynamic stability) indicates that this missense variant is not expected to disrupt GRN protein function with a negative predictive value of 80%. In summary, the available evidence is currently insufficient to determine the role of this variant in disease. Therefore, it has been classified as a Variant of Uncertain Significance.

Blueprint Genetics
Classification: Uncertain significance. Last evaluated: 2024-07-29. Review status: criteria provided, single submitter. Criteria: ACMG Guidelines, 2015. Collection method: clinical testing. Allele origin: germline.

Literature cited by the submitters: PubMed 20142524 (cited by Labcorp Genetics (formerly Invitae), Labcorp); PubMed 30279455 (cited by Labcorp Genetics (formerly Invitae), Labcorp).